The following is an entry in ClinVar:

NM_001379500.1(COL18A1):c.797C>T (p.Thr266Met)

Gene: COL18A1 (collagen type XVIII alpha 1 chain; plus strand). Cytogenetic location: 21q22.3.
Variant type: single nucleotide variant.
Coding change: c.797C>T on transcript NM_001379500.1 (MANE Select); coding-DNA position 797, C replaced by T.
Protein change: p.Thr266Met; replaces threonine 266 with methionine.
Molecular consequence: missense variant.
Genome position (GRCh38, 1-based): chr21:45,475,534, C>T. VCF-style: chr21-45475534-C-T. GRCh37 (hg19) VCF-style: chr21-46895448-C-T.
Other names: NM_130445.2:c.797C>T; c.1337C>T, p.Thr446Met (NM_030582.4); c.2042C>T, p.Thr681Met (NM_130444.3); c.1337C>T (NM_030582.3); short protein forms T446M, T266M, T681M.
Identifiers: ClinVar variation 1483949 (VCV001483949.7), dbSNP rs760342643, ClinGen allele CA10065899.

ClinVar aggregate classification (germline): Conflicting classifications of pathogenicity. Review status: criteria provided, conflicting classifications (1 of 4 stars). 5 submissions from 5 submitters: Uncertain significance (3); Likely benign (2). Last evaluated 2025-08-08.

Conditions:
COL18A1-related disorder. Also called: COL18A1-related condition; COL18A1-related disorders.
Knobloch syndrome 1 (KNO1). Identifiers: MedGen C4551775, MONDO:0800167, OMIM 267750.
Inborn genetic diseases. Identifiers: MedGen C0950123, MeSH D030342.

Allele frequency attached by ClinVar (database versions not stated): gnomAD 0.00003; ExAC 0.00004; TOPMed 0.00005; gnomAD exomes 0.00007; 1000 Genomes Project 30x 0.00047.
gnomAD v4.1: 118 of 1,605,192 alleles (0.0074%); highest among the groups gnomAD compares: Admixed American, 0.017%; no homozygotes.

Submissions (5):

Ambry Genetics
Classification: Likely benign for Inborn genetic diseases. Last evaluated: 2025-08-08. Review status: criteria provided, single submitter. Criteria: Ambry Variant Classification Scheme 2023. Collection method: clinical testing. Allele origin: germline.

PreventionGenetics, part of Exact Sciences
Classification: Uncertain significance for COL18A1-related condition. Last evaluated: 2025-01-24. Review status: criteria provided, single submitter. Criteria: ACMG Guidelines, 2015. Collection method: clinical testing. Allele origin: germline.
Comment: The COL18A1 c.1337C>T variant is predicted to result in the amino acid substitution p.Thr446Met. To our knowledge, this variant has not been reported in the literature. This variant is reported in 0.018% of alleles in individuals of Latino descent in gnomAD. At this time, the clinical significance of this variant is uncertain due to the absence of conclusive functional and genetic evidence.

Blueprint Genetics
Classification: Likely benign. Last evaluated: 2024-02-19. Review status: criteria provided, single submitter. Criteria: ACMG Guidelines, 2015. Collection method: clinical testing. Allele origin: germline.

Department of Pathology and Laboratory Medicine, Sinai Health System
Classification: Uncertain significance for Knobloch syndrome 1. Last evaluated: 2023-01-30. Review status: criteria provided, single submitter. Criteria: ACMG Guidelines, 2015. Collection method: research. Allele origin: germline.

Labcorp Genetics (formerly Invitae), Labcorp
Classification: Uncertain significance. Last evaluated: 2022-10-25. Review status: criteria provided, single submitter. Criteria: Invitae Variant Classification Sherloc (09022015). Collection method: clinical testing. Allele origin: germline.
Comment: This sequence change replaces threonine, which is neutral and polar, with methionine, which is neutral and non-polar, at codon 266 of the COL18A1 protein (p.Thr266Met). This variant is present in population databases (rs760342643, gnomAD 0.02%). This variant has not been reported in the literature in individuals affected with COL18A1-related conditions. ClinVar contains an entry for this variant (Variation ID: 1483949). Experimental studies and prediction algorithms are not available or were not evaluated, and the functional significance of this variant is currently unknown. In summary, the available evidence is currently insufficient to determine the role of this variant in disease. Therefore, it has been classified as a Variant of Uncertain Significance.